The following is an entry in ClinVar:

NM_003839.4(TNFRSF11A):c.571G>A (p.Asp191Asn)

Gene: TNFRSF11A (TNF receptor superfamily member 11a; plus strand). Cytogenetic location: 18q21.33.
Variant type: single nucleotide variant.
Coding change: c.571G>A on transcript NM_003839.4 (MANE Select); coding-DNA position 571, G replaced by A.
Protein change: p.Asp191Asn; replaces aspartic acid 191 with asparagine.
Molecular consequence: missense variant.
Genome position (GRCh38, 1-based): chr18:62,360,004, G>A. VCF-style: chr18-62360004-G-A. GRCh37 (hg19) VCF-style: chr18-60027237-G-A.
Other names: c.529G>A, p.Asp177Asn (NM_001278268.2); c.571G>A, p.Asp191Asn (NM_001270949.2, NM_001270950.2, NM_001270951.2); short protein forms D177N, D191N.
Identifiers: ClinVar variation 2065195 (VCV002065195.4), dbSNP rs750355755, ClinGen allele CA8983801.

ClinVar aggregate classification (germline): Uncertain significance (1 of 4 stars; one submission).

Allele frequency attached by ClinVar (database versions not stated): TOPMed below 0.00001; ExAC 0.00001; gnomAD 0.00001.

Submission:

Labcorp Genetics (formerly Invitae), Labcorp
Classification: Uncertain significance. Last evaluated: 2022-08-15. Review status: criteria provided, single submitter. Criteria: Invitae Variant Classification Sherloc (09022015). Collection method: clinical testing. Allele origin: germline.
Comment: This variant has not been reported in the literature in individuals affected with TNFRSF11A-related conditions. This sequence change replaces aspartic acid, which is acidic and polar, with asparagine, which is neutral and polar, at codon 191 of the TNFRSF11A protein (p.Asp191Asn). This variant is present in population databases (rs750355755, gnomAD 0.002%). Algorithms developed to predict the effect of missense changes on protein structure and function are either unavailable or do not agree on the potential impact of this missense change (SIFT: "Deleterious"; PolyPhen-2: "Probably Damaging"; Align-GVGD: "Class C0"). In summary, the available evidence is currently insufficient to determine the role of this variant in disease. Therefore, it has been classified as a Variant of Uncertain Significance.